The following is an entry in ClinVar:

NM_000170.3(GLDC):c.2995G>A (p.Val999Ile)

Gene: GLDC (glycine decarboxylase; minus strand). Cytogenetic location: 9p24.1.
Variant type: single nucleotide variant.
Coding change: c.2995G>A on transcript NM_000170.3 (MANE Select); coding-DNA position 2995, G replaced by A.
Protein change: p.Val999Ile; replaces valine 999 with isoleucine.
Molecular consequence: missense variant.
Genome position (GRCh38, 1-based): chr9:6,533,085, C>T on the plus strand (G>A on the coding strand, the complement: GLDC is on the minus strand). VCF-style: chr9-6533085-C-T. GRCh37 (hg19) VCF-style: chr9-6533085-C-T.
Other names: short protein forms V999I.
Identifiers: ClinVar variation 1313823 (VCV001313823.7), dbSNP rs2129641188, ClinGen allele CA372881626.

ClinVar aggregate classification (germline): Uncertain significance. Review status: criteria provided, multiple submitters, no conflicts (2 of 4 stars). 2 submissions from 2 submitters: Uncertain significance (2). Last evaluated 2021-12-02.

Conditions:
Glycine encephalopathy. Also called: Non-ketotic hyperglycinemia; Nonketotic hyperglycinemia. Identifiers: Orphanet 407, MedGen C0751748, MONDO:0011612, HP:0008288.

Submissions (2):

Labcorp Genetics (formerly Invitae), Labcorp
Classification: Uncertain significance for Glycine encephalopathy. Last evaluated: 2021-12-02. Review status: criteria provided, single submitter. Criteria: Invitae Variant Classification Sherloc (09022015). Collection method: clinical testing. Allele origin: germline.
Comment: ClinVar contains an entry for this variant (Variation ID: 1313823). In summary, the available evidence is currently insufficient to determine the role of this variant in disease. Therefore, it has been classified as a Variant of Uncertain Significance. Advanced modeling of protein sequence and biophysical properties (such as structural, functional, and spatial information, amino acid conservation, physicochemical variation, residue mobility, and thermodynamic stability) performed at Invitae indicates that this missense variant is not expected to disrupt GLDC protein function. This variant has not been reported in the literature in individuals affected with GLDC-related conditions. This variant is not present in population databases (gnomAD no frequency). This sequence change replaces valine, which is neutral and non-polar, with isoleucine, which is neutral and non-polar, at codon 999 of the GLDC protein (p.Val999Ile).

GeneDx
Classification: Uncertain significance. Last evaluated: 2021-01-08. Review status: criteria provided, single submitter. Criteria: GeneDx Variant Classification Process June 2021. Collection method: clinical testing. Allele origin: germline. Affected: yes.
Comment: Not observed in large population cohorts (Lek et al., 2016); In silico analysis supports that this missense variant does not alter protein structure/function; Has not been previously published as pathogenic or benign to our knowledge